The following is an entry in ClinVar:

ClinVar aggregate classification (germline): Uncertain significance (1 of 4 stars; one submission).

gnomAD v4.1: 2 of 1,614,198 alleles (0.00012%); highest among the groups gnomAD compares: Non-Finnish European, 0.00017%; no homozygotes.

Submission:

Labcorp Genetics (formerly Invitae), Labcorp
Classification: Uncertain significance. Last evaluated: 2025-04-30. Review status: criteria provided, single submitter. Criteria: Invitae Variant Classification Sherloc (09022015). Collection method: clinical testing. Allele origin: germline.
Comment: This sequence change replaces glutamine, which is neutral and polar, with arginine, which is basic and polar, at codon 1147 of the FAT2 protein (p.Gln1147Arg). This variant is not present in population databases (gnomAD no frequency). This variant has not been reported in the literature in individuals affected with FAT2-related conditions. Invitae Evidence Modeling of protein sequence and biophysical properties (such as structural, functional, and spatial information, amino acid conservation, physicochemical variation, residue mobility, and thermodynamic stability) indicates that this missense variant is expected to disrupt FAT2 protein function with a positive predictive value of 80%. In summary, the available evidence is currently insufficient to determine the role of this variant in disease. Therefore, it has been classified as a Variant of Uncertain Significance.

NM_001447.3(FAT2):c.3440A>G (p.Gln1147Arg)

Gene: FAT2 (FAT atypical cadherin 2; minus strand). Cytogenetic location: 5q33.1.
Variant type: single nucleotide variant.
Coding change: c.3440A>G on transcript NM_001447.3 (MANE Select); coding-DNA position 3440, A replaced by G.
Protein change: p.Gln1147Arg; replaces glutamine 1147 with arginine.
Molecular consequence: missense variant.
Genome position (GRCh38, 1-based): chr5:151,563,459, T>C on the plus strand (A>G on the coding strand, the complement: FAT2 is on the minus strand). VCF-style: chr5-151563459-T-C. GRCh37 (hg19) VCF-style: chr5-150943020-T-C.
Other names: short protein forms Q1147R.
Identifiers: ClinVar variation 4762536 (VCV004762536.1).